The following is an entry in ClinVar:

ClinVar aggregate classification (germline): Uncertain significance. Review status: criteria provided, multiple submitters, no conflicts (2 of 4 stars). 3 submissions from 3 submitters: Uncertain significance (3). Last evaluated 2023-02-22.

Conditions:
Osteogenesis imperfecta type 16. Also called: OI, TYPE XVI; Osteogenesis imperfecta, type xvi. Identifiers: Orphanet 666, MedGen C4015610, MONDO:0014544, OMIM 616229.
Inborn genetic diseases. Identifiers: MedGen C0950123, MeSH D030342.

Allele frequency attached by ClinVar (database versions not stated): ExAC 0.00002; gnomAD 0.00003; TOPMed 0.00004; gnomAD exomes 0.00008.
gnomAD v4.1: 117 of 1,608,522 alleles (0.0073%); highest among the groups gnomAD compares: Non-Finnish European, 0.0097%; no homozygotes.

Submissions (3):

ARUP Laboratories, Molecular Genetics and Genomics, ARUP Laboratories
Classification: Uncertain significance for Osteogenesis imperfecta type 16. Last evaluated: 2023-02-22. Review status: criteria provided, single submitter. Criteria: ARUP Molecular Germline Variant Investigation Process 2024. Collection method: clinical testing. Allele origin: germline.
Comment: The CREB3L1 c.667C>T; p.Arg223Cys variant (rs745567388), to our knowledge, is not reported in the medical literature but is reported in ClinVar (Variation ID: 2376329). This variant is found in the general population with an overall allele frequency of 0.0025% (6/241782 alleles) in the Genome Aggregation Database. Computational analyses are uncertain whether this variant is neutral or deleterious (REVEL: 0.162). Due to limited information, the clinical significance of this variant is uncertain at this time.

GeneDx
Classification: Uncertain significance. Last evaluated: 2023-02-01. Review status: criteria provided, single submitter. Criteria: GeneDx Variant Classification Process June 2021. Collection method: clinical testing. Allele origin: germline. Affected: yes.
Comment: In silico analysis supports that this missense variant has a deleterious effect on protein structure/function; Has not been previously published as pathogenic or benign to our knowledge

Ambry Genetics
Classification: Uncertain significance for Inborn genetic diseases. Last evaluated: 2022-10-03. Review status: criteria provided, single submitter. Criteria: Ambry Variant Classification Scheme 2023. Collection method: clinical testing. Allele origin: germline.

NM_052854.4(CREB3L1):c.667C>T (p.Arg223Cys)

Gene: CREB3L1 (cAMP responsive element binding protein 3 like 1; plus strand). Cytogenetic location: 11p11.2.
Variant type: single nucleotide variant.
Coding change: c.667C>T on transcript NM_052854.4 (MANE Select); coding-DNA position 667, C replaced by T.
Protein change: p.Arg223Cys; replaces arginine 223 with cysteine.
Molecular consequence: missense variant.
Genome position (GRCh38, 1-based): chr11:46,311,103, C>T. VCF-style: chr11-46311103-C-T. GRCh37 (hg19) VCF-style: chr11-46332654-C-T.
Other names: c.667C>T (NM_052854.3); short protein forms R223C.
Identifiers: ClinVar variation 2376329 (VCV002376329.4), dbSNP rs745567388, ClinGen allele CA5961658.